The following is an entry in ClinVar:

ClinVar aggregate classification (germline): Uncertain significance. Review status: criteria provided, multiple submitters, no conflicts (2 of 4 stars). 2 submissions from 2 submitters: Uncertain significance (2). Last evaluated 2025-12-15.

Allele frequency attached by ClinVar (database versions not stated): TOPMed below 0.00001; ExAC 0.00001; gnomAD 0.00001; gnomAD exomes 0.00001; 1000 Genomes Project 30x 0.00021; 1000 Genomes Project 0.00026.
gnomAD v4.1: 15 of 1,210,466 alleles (0.0012%); highest among the groups gnomAD compares: South Asian, 0.0018%; no homozygotes.

Submissions (4):

Labcorp Genetics (formerly Invitae), Labcorp
Classification: Uncertain significance. Last evaluated: 2025-12-15. Review status: criteria provided, single submitter. Criteria: Invitae Variant Classification Sherloc (09022015). Collection method: clinical testing. Allele origin: germline.
Comment: This sequence change replaces glycine, which is neutral and non-polar, with arginine, which is basic and polar, at codon 857 of the FGD1 protein (p.Gly857Arg). The frequency data for this variant in the population databases is considered unreliable, as metrics indicate poor data quality at this position in the gnomAD database. This variant has not been reported in the literature in individuals affected with FGD1-related conditions. ClinVar contains an entry for this variant (Variation ID: 2660664). Invitae Evidence Modeling of protein sequence and biophysical properties (such as structural, functional, and spatial information, amino acid conservation, physicochemical variation, residue mobility, and thermodynamic stability) has been performed for this missense variant. However, the output from this modeling did not meet the statistical confidence thresholds required to predict the impact of this variant on FGD1 protein function. In summary, the available evidence is currently insufficient to determine the role of this variant in disease. Therefore, it has been classified as a Variant of Uncertain Significance.

CeGaT Center for Human Genetics Tuebingen
Classification: Uncertain significance. Last evaluated: 2023-06-01. Review status: criteria provided, single submitter. Criteria: CeGaT Center For Human Genetics Tuebingen Variant Classification Criteria Version 2. Collection method: clinical testing. Allele origin: germline. Affected: yes. Observed: 1 variant allele.
Comment: FGD1: PP2

Dr. Peter K. Rogan Lab, Western University
No classification provided (evidence only). Condition: Thyroid cancer, nonmedullary, 1. Review status: no classification provided. Collection method: in vitro. Allele origin: not applicable. Functional consequence: retained intron. Not counted in ClinVar's aggregate classification.

Dr. Peter K. Rogan Lab, Western University
No classification provided (evidence only). Condition: Nonpapillary renal cell carcinoma. Review status: no classification provided. Collection method: in vitro. Allele origin: not applicable. Functional consequence: retained intron. Not counted in ClinVar's aggregate classification.

NM_004463.3(FGD1):c.2569G>A (p.Gly857Arg)

Genes: FGD1 (FYVE, RhoGEF and PH domain containing 1; minus strand), TSR2 (TSR2 ribosome maturation factor; plus strand). Cytogenetic location: Xp11.22.
Variant type: single nucleotide variant.
Coding change: c.2569G>A on transcript NM_004463.3 (MANE Select); coding-DNA position 2569, G replaced by A.
Protein change: p.Gly857Arg; replaces glycine 857 with arginine.
Molecular consequence: missense variant. On other transcripts: 3 prime UTR variant (5).
Genome position (GRCh38, 1-based): chrX:54,447,322, C>T on the plus strand (G>A on the coding strand, the complement: FGD1 is on the minus strand). VCF-style: chrX-54447322-C-T. GRCh37 (hg19) VCF-style: chrX-54473755-C-T.
Other names: c.*2772C>T (NM_001346789.2, NM_001346790.2, NM_001346791.2 and 2 more transcripts); short protein forms G857R.
Identifiers: ClinVar variation 2660664 (VCV002660664.28), dbSNP rs769308984, ClinGen allele CA10424925.